The following is an entry in ClinVar:

ClinVar aggregate classification (germline): Uncertain significance (1 of 4 stars; one submission).

Conditions:
Cognitive impairment - coarse facies - heart defects - obesity - pulmonary involvement - short stature - skeletal dysplasia syndrome. Also called: COGNITIVE IMPAIRMENT, COARSE FACIES, HEART DEFECTS, OBESITY, PULMONARY INVOLVEMENT, SHORT STATURE, AND SKELETAL DYSPLASIA; Chops syndrome; AFF4-Related CHOPS Syndrome. Identifiers: Orphanet 444077, MedGen C4085597, MONDO:0014609, OMIM 616368.

Submission:

Labcorp Genetics (formerly Invitae), Labcorp
Classification: Uncertain significance for Cognitive impairment - coarse facies - heart defects - obesity - pulmonary involvement - short stature - skeletal dysplasia syndrome. Last evaluated: 2024-10-21. Review status: criteria provided, single submitter. Criteria: Invitae Variant Classification Sherloc (09022015). Collection method: clinical testing. Allele origin: germline.
Comment: This sequence change replaces proline, which is neutral and non-polar, with arginine, which is basic and polar, at codon 330 of the AFF4 protein (p.Pro330Arg). This variant is not present in population databases (gnomAD no frequency). This variant has not been reported in the literature in individuals affected with AFF4-related conditions. Invitae Evidence Modeling of protein sequence and biophysical properties (such as structural, functional, and spatial information, amino acid conservation, physicochemical variation, residue mobility, and thermodynamic stability) indicates that this missense variant is expected to disrupt AFF4 protein function with a positive predictive value of 80%. In summary, the available evidence is currently insufficient to determine the role of this variant in disease. Therefore, it has been classified as a Variant of Uncertain Significance.

NM_014423.4(AFF4):c.989C>G (p.Pro330Arg)

Gene: AFF4 (ALF transcription elongation factor 4; minus strand). Cytogenetic location: 5q31.1.
Variant type: single nucleotide variant.
Coding change: c.989C>G on transcript NM_014423.4 (MANE Select); coding-DNA position 989, C replaced by G.
Protein change: p.Pro330Arg; replaces proline 330 with arginine.
Molecular consequence: missense variant.
Genome position (GRCh38, 1-based): chr5:132,927,182, G>C on the plus strand (C>G on the coding strand, the complement: AFF4 is on the minus strand). VCF-style: chr5-132927182-G-C. GRCh37 (hg19) VCF-style: chr5-132262874-G-C.
Other names: short protein forms P330R.
Identifiers: ClinVar variation 3693339 (VCV003693339.2).